The following is an entry in ClinVar:

NM_000018.4(ACADVL):c.1762T>C (p.Ser588Pro)

Gene: ACADVL (acyl-CoA dehydrogenase very long chain; plus strand). Cytogenetic location: 17p13.1.
Variant type: single nucleotide variant.
Coding change: c.1762T>C on transcript NM_000018.4 (MANE Select); coding-DNA position 1762, T replaced by C.
Protein change: p.Ser588Pro; replaces serine 588 with proline.
Molecular consequence: missense variant.
Genome position (GRCh38, 1-based): chr17:7,224,819, T>C. VCF-style: chr17-7224819-T-C. GRCh37 (hg19) VCF-style: chr17-7128138-T-C.
Other names: c.1696T>C, p.Ser566Pro (NM_001033859.3); c.1831T>C, p.Ser611Pro (NM_001270447.2); c.1534T>C, p.Ser512Pro (NM_001270448.2); short protein forms S512P, S566P, S588P, S611P.
Identifiers: ClinVar variation 944555 (VCV000944555.7), dbSNP rs780655964, ClinGen allele CA8338265.
Genomic context (GRCh38, chr17:7,224,819, plus strand): 5'-CCTGGATCCCAGCCGGCCCAGATTTATTTTCATCTCCTGCTTCCTGCCAGGGCCTCAAGA[T>C]CCCTGAGTGAGGGCCACCCCACGGCCCAGCATGAGAAAATGCTCTGTGACACCTGGTGTA-3'
Protein context (NP_000009.1, residues 578-598): MVVVLSRASR[Ser588Pro]LSEGHPTAQH

ClinVar aggregate classification (germline): Uncertain significance (1 of 4 stars; one submission).

Conditions:
Very long chain acyl-CoA dehydrogenase deficiency (ACADVLD). Also called: VLCAD Deficiency; Very Long-Chain Acyl-Coenzyme A Dehydrogenase Deficiency. Identifiers: Orphanet 26793, MedGen C3887523, MONDO:0008723, OMIM 201475.

Allele frequency attached by ClinVar (database versions not stated): gnomAD exomes below 0.00001; ExAC 0.00001.

Submission:

Labcorp Genetics (formerly Invitae), Labcorp
Classification: Uncertain significance for Very long chain acyl-CoA dehydrogenase deficiency. Last evaluated: 2021-09-01. Review status: criteria provided, single submitter. Criteria: Invitae Variant Classification Sherloc (09022015). Collection method: clinical testing. Allele origin: germline.
Comment: This sequence change replaces serine with proline at codon 588 of the ACADVL protein (p.Ser588Pro). The serine residue is moderately conserved and there is a moderate physicochemical difference between serine and proline. This variant is present in population databases (rs780655964, ExAC 0.002%). This variant has not been reported in the literature in individuals affected with ACADVL-related conditions. Algorithms developed to predict the effect of missense changes on protein structure and function are either unavailable or do not agree on the potential impact of this missense change (SIFT: "Deleterious"; PolyPhen-2: "Possibly Damaging"; Align-GVGD: "Class C0"). In summary, the available evidence is currently insufficient to determine the role of this variant in disease. Therefore, it has been classified as a Variant of Uncertain Significance.